The following is an entry in ClinVar:

GRCh38/hg38 9p24.3-21.1(chr9:1-31473210)x3

Genes: ACER2 (alkaline ceramidase 2; plus strand), ADAMTSL1 (ADAMTS like 1; plus strand), AK3 (adenylate kinase 3; minus strand), BNC2 (basonuclin zinc finger protein 2; minus strand), BNC2-AS1 (BNC2 antisense RNA 1; plus strand) and 499 more. Cytogenetic location: 9p24.3-21.1.
Variant type: copy number gain.
Change: copy number 3 (three copies instead of two) of chr9:1-31,473,210 (31.47 Mb, GRCh38 coordinates, 1-based), cytogenetic band 9p24.3-21.1.
Identifiers: ClinVar variation 4974707 (VCV004974707.1).

ClinVar aggregate classification (germline): Likely pathogenic (1 of 4 stars; one submission).

Submission:

Clinical Genomics Laboratory, Laboratory for Precision Diagnostics, University of Washington
Classification: Likely pathogenic. Last evaluated: 2024-02-15. Review status: criteria provided, single submitter. Criteria: ACMG/ClinGen CNV Guidelines, 2019. Collection method: clinical testing. Allele origin: unknown. Affected: yes. Observed: 1 variant allele.
Comment: It encompass the minimal critical region of 9p22p24 in 9p trisomy syndrome (PMID:9004142). Partial duplication of the short arm of chromosome 9 have been found in more than 200 patients reported in the medical literature (PMID:31560494, PMID:25526829). Major clinical findings include, but aren't limited to, delayed mental and psychomotor growth, craniofacial dysmorphisms and skeletal alternations.

Literature cited by the submitters: PubMed 31560494; PubMed 25526829; PubMed 9004142.